The following is an entry in ClinVar:

ClinVar aggregate classification (germline): Uncertain significance (1 of 4 stars; one submission).

Conditions:
Inborn genetic diseases. Identifiers: MedGen C0950123, MeSH D030342.

Submission:

Ambry Genetics
Classification: Uncertain significance for Inborn genetic diseases. Last evaluated: 2025-01-16. Review status: criteria provided, single submitter. Criteria: Ambry Variant Classification Scheme 2023. Collection method: clinical testing. Allele origin: germline.
Comment: The p.V354L variant (also known as c.1060G>C), located in coding exon 4 of the SMAD6 gene, results from a G to C substitution at nucleotide position 1060. The valine at codon 354 is replaced by leucine, an amino acid with highly similar properties. This amino acid position is conserved. In addition, this alteration is predicted to be deleterious by in silico analysis. Based on the available evidence, the clinical significance of this variant remains unclear.

NM_005585.5(SMAD6):c.1060G>C (p.Val354Leu)

Gene: SMAD6 (SMAD family member 6; plus strand). Cytogenetic location: 15q22.31.
Variant type: single nucleotide variant.
Coding change: c.1060G>C on transcript NM_005585.5 (MANE Select); coding-DNA position 1060, G replaced by C.
Protein change: p.Val354Leu; replaces valine 354 with leucine.
Molecular consequence: missense variant. On other transcripts: non-coding transcript variant (1).
Genome position (GRCh38, 1-based): chr15:66,781,104, G>C. VCF-style: chr15-66781104-G-C. GRCh37 (hg19) VCF-style: chr15-67073442-G-C.
Other names: short protein forms V354L.
Identifiers: ClinVar variation 3798827 (VCV003798827.1).